The following is an entry in ClinVar:

ClinVar aggregate classification (germline): Uncertain significance. Review status: criteria provided, multiple submitters, no conflicts (2 of 4 stars). 2 submissions from 2 submitters: Uncertain significance (2). Last evaluated 2025-11-03.

Conditions:
Charcot-Marie-Tooth disease type 4. Also called: Charcot-Marie-Tooth disease, type IV; Charcot-Marie-Tooth, Type 4. Identifiers: Orphanet 64749, MedGen C4082197, MONDO:0018995.
Inborn genetic diseases. Identifiers: MedGen C0950123, MeSH D030342.

Allele frequency attached by ClinVar (database versions not stated): gnomAD exomes below 0.00001; TOPMed 0.00001; gnomAD 0.00001.
gnomAD v4.1: 5 of 1,614,070 alleles (0.00031%); highest among the groups gnomAD compares: Non-Finnish European, 0.00042%; no homozygotes.

Submissions (2):

Ambry Genetics
Classification: Uncertain significance for Inborn genetic diseases. Last evaluated: 2025-11-03. Review status: criteria provided, single submitter. Criteria: Ambry Variant Classification Scheme 2023. Collection method: clinical testing. Allele origin: germline.

Labcorp Genetics (formerly Invitae), Labcorp
Classification: Uncertain significance for Charcot-Marie-Tooth disease type 4. Last evaluated: 2021-11-06. Review status: criteria provided, single submitter. Criteria: Invitae Variant Classification Sherloc (09022015). Collection method: clinical testing. Allele origin: germline.
Comment: This sequence change replaces histidine, which is basic and polar, with tyrosine, which is neutral and polar, at codon 1228 of the SH3TC2 protein (p.His1228Tyr). This variant is present in population databases (no rsID available, gnomAD 0.002%). This variant has not been reported in the literature in individuals affected with SH3TC2-related conditions. Advanced modeling of protein sequence and biophysical properties (such as structural, functional, and spatial information, amino acid conservation, physicochemical variation, residue mobility, and thermodynamic stability) performed at Invitae indicates that this missense variant is not expected to disrupt SH3TC2 protein function. In summary, the available evidence is currently insufficient to determine the role of this variant in disease. Therefore, it has been classified as a Variant of Uncertain Significance.

NM_024577.4(SH3TC2):c.3682C>T (p.His1228Tyr)

Gene: SH3TC2 (SH3 domain and tetratricopeptide repeats 2; minus strand). Cytogenetic location: 5q32.
Variant type: single nucleotide variant.
Coding change: c.3682C>T on transcript NM_024577.4 (MANE Select); coding-DNA position 3682, C replaced by T.
Protein change: p.His1228Tyr; replaces histidine 1228 with tyrosine.
Molecular consequence: missense variant.
Genome position (GRCh38, 1-based): chr5:149,004,896, G>A on the plus strand (C>T on the coding strand, the complement: SH3TC2 is on the minus strand). VCF-style: chr5-149004896-G-A. GRCh37 (hg19) VCF-style: chr5-148384459-G-A.
Other names: c.3682C>T (NM_024577.3); short protein forms H1228Y.
Identifiers: ClinVar variation 1432330 (VCV001432330.4), dbSNP rs1371380897, ClinGen allele CA361663780.
Genomic context (GRCh38, chr5:149,004,896, plus strand): 5'-CCTCATCACCCAGCAGGACCGCTGCTGCCAGGGCCAGAAGGAAGTACTCAGTGGCATCAT[G>A]GGCATCCTAACCCCGTGGTATGGGGGCAAAGAAGAGACAGCATTAGCAAACACTTCCAGG-3'
Protein context (NP_078853.2, residues 1218-1238): RLTFCQLKDA[His1228Tyr]DATEYFLLAL